The following is an entry in ClinVar:

ClinVar aggregate classification (germline): Pathogenic (1 of 4 stars; one submission).

Conditions:
Marfan syndrome (MFS). Also called: MARFAN SYNDROME, TYPE I; Marfan syndrome type 1; Marfan's syndrome; Marfan syndrome, classic; FBN1-Related Marfan Syndrome. Identifiers: Orphanet 284963, Orphanet 558, MedGen C0024796, MONDO:0007947, OMIM 154700.
Familial thoracic aortic aneurysm and aortic dissection (TAAD). Also called: Thoracic aortic aneurysms and dissections. Identifiers: Orphanet 91387, MedGen C4707243, MONDO:0019625.

Submission:

Labcorp Genetics (formerly Invitae), Labcorp
Classification: Pathogenic for Marfan syndrome; Familial thoracic aortic aneurysm and aortic dissection. Last evaluated: 2025-11-16. Review status: criteria provided, single submitter. Criteria: Invitae Variant Classification Sherloc (09022015). Collection method: clinical testing. Allele origin: germline.
Comment: This sequence change replaces asparagine, which is neutral and polar, with lysine, which is basic and polar, at codon 1173 of the FBN1 protein (p.Asn1173Lys). This variant is not present in population databases (gnomAD no frequency). This missense change has been observed in individuals with clinical features of FBN1-related conditions (PMID: 23141514, 27906200; internal data). It has also been observed to segregate with disease in related individuals. ClinVar contains an entry for this variant (Variation ID: 3759290). Invitae Evidence Modeling of protein sequence and biophysical properties (such as structural, functional, and spatial information, amino acid conservation, physicochemical variation, residue mobility, and thermodynamic stability) indicates that this missense variant is expected to disrupt FBN1 protein function with a positive predictive value of 95%. This variant disrupts the p.Asn1173 amino acid residue in FBN1. Other variant(s) that disrupt this residue have been determined to be pathogenic (PMID: 9338581, 23141514; internal data). This suggests that this residue is clinically significant, and that variants that disrupt this residue are likely to be disease-causing. For these reasons, this variant has been classified as Pathogenic.

Literature cited by the submitters: PubMed 23141514; PubMed 27906200; PubMed 9338581.

NM_000138.5(FBN1):c.3519C>A (p.Asn1173Lys)

Gene: FBN1 (fibrillin 1; minus strand). Cytogenetic location: 15q21.1.
Variant type: single nucleotide variant.
Coding change: c.3519C>A on transcript NM_000138.5 (MANE Select); coding-DNA position 3519, C replaced by A.
Protein change: p.Asn1173Lys; replaces asparagine 1173 with lysine.
Molecular consequence: missense variant.
Genome position (GRCh38, 1-based): chr15:48,487,145, G>T on the plus strand (C>A on the coding strand, the complement: FBN1 is on the minus strand). VCF-style: chr15-48487145-G-T. GRCh37 (hg19) VCF-style: chr15-48779342-G-T.
Other names: c.3519C>A, p.Asn1173Lys (NM_001406716.1); short protein forms N1173K.
Identifiers: ClinVar variation 3759290 (VCV003759290.2).